The following is an entry in ClinVar:

ClinVar aggregate classification (germline): Uncertain significance (1 of 4 stars; one submission).

Conditions:
Van Maldergem syndrome 1 (VMLDS1). Also called: Van Maldergem syndrome 1 (VMLDS1). Identifiers: Orphanet 314679, MedGen C4551950, MONDO:0011070, OMIM 601390.
Mitral valve prolapse, myxomatous 2. Also called: Mitral valve prolapse 2; MMVP2. Identifiers: MedGen C1843003, MONDO:0011915, OMIM 607829.

Submission:

PreventionGenetics, part of Exact Sciences
Classification: Uncertain significance for Mitral valve prolapse, myxomatous 2; Van Maldergem syndrome 1. Last evaluated: 2022-08-04. Review status: criteria provided, single submitter. Criteria: ACMG Guidelines, 2015. Collection method: clinical testing. Allele origin: germline.
Comment: To our knowledge, this variant has not been reported in the literature or in a large population database, indicating this variant is rare. At this time, the clinical significance of this variant is uncertain due to the absence of conclusive functional and genetic evidence.

NM_003737.4(DCHS1):c.5851C>A (p.Arg1951Ser)

Gene: DCHS1 (dachsous cadherin-related 1; minus strand). Cytogenetic location: 11p15.4.
Variant type: single nucleotide variant.
Coding change: c.5851C>A on transcript NM_003737.4 (MANE Select); coding-DNA position 5851, C replaced by A.
Protein change: p.Arg1951Ser; replaces arginine 1951 with serine.
Molecular consequence: missense variant.
Genome position (GRCh38, 1-based): chr11:6,627,188, G>T on the plus strand (C>A on the coding strand, the complement: DCHS1 is on the minus strand). VCF-style: chr11-6627188-G-T. GRCh37 (hg19) VCF-style: chr11-6648419-G-T.
Other names: short protein forms R1951S.
Identifiers: ClinVar variation 2505282 (VCV002505282.1), dbSNP rs528606611, ClinGen allele CA379391716.